The following is an entry in ClinVar:

ClinVar aggregate classification (germline): Likely pathogenic (1 of 4 stars; one submission).

Conditions:
Developmental and epileptic encephalopathy, 50 (DEE50). Also called: Epileptic encephalopathy, early infantile, 50. Identifiers: Orphanet 448010, MedGen C4225320, MONDO:0014647, OMIM 616457.

Submission:

Juno Genomics, Hangzhou Juno Genomics, Inc
Classification: Likely pathogenic for Developmental and epileptic encephalopathy, 50. Review status: criteria provided, single submitter. Criteria: ACMG Guidelines, 2015. Collection method: clinical testing. Allele origin: germline.
Comment: Absent from controls (or at extremely low frequency if recessive) in Genome Aggregation Database.;Null variant in a gene where loss of function (LOF) is a known mechanism of disease.

NM_004341.5(CAD):c.5808+1G>A

Gene: CAD (carbamoyl-phosphate synthetase 2, aspartate transcarbamylase, and dihydroorotase; plus strand). Cytogenetic location: 2p23.3.
Variant type: single nucleotide variant.
Coding change: c.5808+1G>A on transcript NM_004341.5 (MANE Select); the canonical splice donor site of the intron after coding-DNA position 5808, G replaced by A.
Molecular consequence: splice donor variant.
Genome position (GRCh38, 1-based): chr2:27,241,228, G>A. VCF-style: chr2-27241228-G-A. GRCh37 (hg19) VCF-style: chr2-27464096-G-A.
Other names: c.5619+1G>A (NM_001306079.2).
Identifiers: ClinVar variation 5019409 (VCV005019409.2).
Genomic context (GRCh38, chr2:27,241,228, plus strand): 5'-CTGCTGCACTCATTAGTGGGCCAACATATCCTGTCCGTCCAGCAGTTCACCAAGGATCAG[G>A]TGCCTGGGGCAGGGAGGATGGGACCACCCAGAGCTTTGAGGATTTGGAAAGCTGGGGCTA-3'